The following is an entry in ClinVar:

NM_006516.4(SLC2A1):c.1348T>A (p.Phe450Ile)

Gene: SLC2A1 (solute carrier family 2 member 1; minus strand). Cytogenetic location: 1p34.2.
Variant type: single nucleotide variant.
Coding change: c.1348T>A on transcript NM_006516.4 (MANE Select); coding-DNA position 1348, T replaced by A.
Protein change: p.Phe450Ile; replaces phenylalanine 450 with isoleucine.
Molecular consequence: missense variant.
Genome position (GRCh38, 1-based): chr1:42,927,172, A>T on the plus strand (T>A on the coding strand, the complement: SLC2A1 is on the minus strand). VCF-style: chr1-42927172-A-T. GRCh37 (hg19) VCF-style: chr1-43392843-A-T.
Other names: short protein forms F450I.
Identifiers: ClinVar variation 1031052 (VCV001031052.7), dbSNP rs1216296247, ClinGen allele CA339953248.

ClinVar aggregate classification (germline): Uncertain significance. Review status: criteria provided, multiple submitters, no conflicts (2 of 4 stars). 8 submissions from 4 submitters: Uncertain significance (8). Last evaluated 2025-02-16.

Conditions:
Hereditary cryohydrocytosis with reduced stomatin. Also called: GLUT1 DEFICIENCY SYNDROME WITH PSEUDOHYPERKALEMIA AND HEMOLYSIS; Stomatin-deficient cryohydrocytosis with neurologic defects. Identifiers: Orphanet 168577, MedGen C1837206, MONDO:0012143, OMIM 608885.
Dystonia 9 (DYT9). Also called: CHOREOATHETOSIS, KINESIGENIC, WITH EPISODIC ATAXIA AND SPASTICITY. Identifiers: Orphanet 53583, MedGen C1832855, MONDO:0010983, OMIM 601042.
Epilepsy, idiopathic generalized, susceptibility to, 12 (EIG12). Identifiers: MedGen C3553859, MONDO:0013919, OMIM 614847.
Encephalopathy due to GLUT1 deficiency. Also called: De Vivo disease; Glucose transporter protein syndrome; GLUT1 deficiency syndrome 1; GLUT1 deficiency syndrome 1, infantile onset, severe; Classic Glucose Transporter Type 1 Deficiency Syndrome; GLUCOSE TRANSPORT DEFECT, BLOOD-BRAIN BARRIER. Identifiers: Orphanet 71277, MedGen C4551966, MONDO:0011724, OMIM 606777.
GLUT1 deficiency syndrome 1, autosomal recessive. Identifiers: MedGen C3149117.
Childhood onset GLUT1 deficiency syndrome 2. Also called: PxMD-SLC2A1; Paroxysmal exercise-induced dystonia; PAROXYSMAL EXERTION-INDUCED DYSTONIA WITH OR WITHOUT EPILEPSY AND/OR HEMOLYTIC ANEMIA; PED WITH OR WITHOUT EPILEPSY AND/OR HEMOLYTIC ANEMIA; PAROXYSMAL EXERCISE-INDUCED DYSKINESIA WITH OR WITHOUT EPILEPSY AND/OR HEMOLYTIC ANEMIA; GLUT1 deficiency syndrome 2. Identifiers: Orphanet 98811, MedGen C1842534, MONDO:0012805, OMIM 612126.

Submissions (8):

GeneDx
Classification: Uncertain significance. Last evaluated: 2025-02-16. Review status: criteria provided, single submitter. Criteria: GeneDx Variant Classification Process June 2021. Collection method: clinical testing. Allele origin: germline. Affected: yes.
Comment: Not observed at significant frequency in large population cohorts (gnomAD); In silico analysis supports that this missense variant has a deleterious effect on protein structure/function; Has not been previously published as pathogenic or benign to our knowledge

Genome-Nilou Lab
Classification: Uncertain significance for Epilepsy, idiopathic generalized, susceptibility to, 12. Last evaluated: 2023-04-11. Review status: criteria provided, single submitter. Criteria: ACMG Guidelines, 2015. Collection method: clinical testing. Allele origin: germline. Affected: no.

Genome-Nilou Lab
Classification: Uncertain significance for Dystonia 9. Last evaluated: 2023-04-11. Review status: criteria provided, single submitter. Criteria: ACMG Guidelines, 2015. Collection method: clinical testing. Allele origin: germline. Affected: no.

Genome-Nilou Lab
Classification: Uncertain significance for Encephalopathy due to GLUT1 deficiency. Last evaluated: 2023-04-11. Review status: criteria provided, single submitter. Criteria: ACMG Guidelines, 2015. Collection method: clinical testing. Allele origin: germline. Affected: no.

Genome-Nilou Lab
Classification: Uncertain significance for Childhood onset GLUT1 deficiency syndrome 2. Last evaluated: 2023-04-11. Review status: criteria provided, single submitter. Criteria: ACMG Guidelines, 2015. Collection method: clinical testing. Allele origin: germline. Affected: no.

Genome-Nilou Lab
Classification: Uncertain significance for Hereditary cryohydrocytosis with reduced stomatin. Last evaluated: 2023-04-11. Review status: criteria provided, single submitter. Criteria: ACMG Guidelines, 2015. Collection method: clinical testing. Allele origin: germline. Affected: no.

Labcorp Genetics (formerly Invitae), Labcorp
Classification: Uncertain significance for GLUT1 deficiency syndrome 1, autosomal recessive. Last evaluated: 2022-07-25. Review status: criteria provided, single submitter. Criteria: Invitae Variant Classification Sherloc (09022015). Collection method: clinical testing. Allele origin: germline.
Comment: In summary, the available evidence is currently insufficient to determine the role of this variant in disease. Therefore, it has been classified as a Variant of Uncertain Significance. Algorithms developed to predict the effect of missense changes on protein structure and function are either unavailable or do not agree on the potential impact of this missense change (SIFT: "Tolerated"; PolyPhen-2: "Probably Damaging"; Align-GVGD: "Class C0"). ClinVar contains an entry for this variant (Variation ID: 1031052). This variant has not been reported in the literature in individuals affected with SLC2A1-related conditions. This variant is not present in population databases (gnomAD no frequency). This sequence change replaces phenylalanine, which is neutral and non-polar, with isoleucine, which is neutral and non-polar, at codon 450 of the SLC2A1 protein (p.Phe450Ile).

Baylor Genetics
Classification: Uncertain significance for Dystonia 9. Last evaluated: 2019-11-20. Review status: criteria provided, single submitter. Criteria: ACMG Guidelines, 2015. Collection method: clinical testing. Allele origin: unknown. Affected: yes.
Comment: This variant was determined to be of uncertain significance according to ACMG Guidelines, 2015 [PMID:25741868].